The following is an entry in ClinVar:

NM_004562.3(PRKN):c.601_602insA (p.Cys201Ter)

Gene: PRKN (parkin RBR E3 ubiquitin protein ligase; minus strand). Cytogenetic location: 6q26.
Variant type: Insertion.
Coding change: c.601_602insA on transcript NM_004562.3 (MANE Select); coding-DNA positions 601 to 602, A inserted.
Protein change: p.Cys201Ter; replaces cysteine 201 with a stop codon.
Molecular consequence: nonsense. On other transcripts: intron variant (2).
Genome position: GRCh38 VCF-style: chr6-162054107-C-CT. GRCh37 (hg19) VCF-style: chr6-162475139-C-CT.
Other names: c.172-80691_172-80690insA (NM_013988.3); c.535-80691_535-80690insA (NM_013987.3); c.601_602insA (NM_004562.2); short protein forms C201*.
Identifiers: ClinVar variation 2174566 (VCV002174566.6), dbSNP rs1231455463, ClinGen allele CA571732449.

ClinVar aggregate classification (germline): Pathogenic/Likely pathogenic. Review status: criteria provided, multiple submitters, no conflicts (2 of 4 stars). 3 submissions from 3 submitters: Pathogenic (2); Likely pathogenic (1). Last evaluated 2024-11-25.

Conditions:
Lung adenocarcinoma. Also called: Adenocarcinoma of lung, somatic; Adenocarcinoma of lung. Identifiers: MedGen C0152013, MeSH D000077192, MONDO:0005061, HP:0030078.

Submissions (3):

GeneDx
Classification: Pathogenic. Last evaluated: 2024-11-25. Review status: criteria provided, single submitter. Criteria: GeneDx Variant Classification Process June 2021. Collection method: clinical testing. Allele origin: germline. Affected: yes.
Comment: Nonsense variant predicted to result in protein truncation or nonsense mediated decay in a gene for which loss of function is a known mechanism of disease; Not observed at significant frequency in large population cohorts (gnomAD); This variant is associated with the following publications: (PMID: 32647592)

Dubai Health Genomic Medicine Center, Dubai Health
Classification: Likely pathogenic for Adenocarcinoma of lung. Last evaluated: 2024-10-04. Review status: criteria provided, single submitter. Criteria: ACMG Guidelines, 2015. Collection method: research. Allele origin: germline. Affected: yes.
Comment: PVS1,PM2

Labcorp Genetics (formerly Invitae), Labcorp
Classification: Pathogenic. Last evaluated: 2022-06-10. Review status: criteria provided, single submitter. Criteria: Invitae Variant Classification Sherloc (09022015). Collection method: clinical testing. Allele origin: germline.
Comment: For these reasons, this variant has been classified as Pathogenic. This premature translational stop signal has been observed in individual(s) with Parkinson disease (PMID: 32647592). This variant is present in population databases (no rsID available, gnomAD no frequency). This sequence change creates a premature translational stop signal (p.Cys201*) in the PRKN gene. It is expected to result in an absent or disrupted protein product. Loss-of-function variants in PRKN are known to be pathogenic (PMID: 10072423, 20301651, 22956510).

Literature cited by the submitters: PubMed 32647592 (cited by Labcorp Genetics (formerly Invitae), Labcorp); PubMed 10072423 (cited by Labcorp Genetics (formerly Invitae), Labcorp); PubMed 20301651 (cited by Labcorp Genetics (formerly Invitae), Labcorp); PubMed 22956510 (cited by Labcorp Genetics (formerly Invitae), Labcorp).